The following is an entry in ClinVar:

NM_198253.3(TERT):c.783G>C (p.Arg261Ser)

Gene: TERT (telomerase reverse transcriptase; minus strand). Cytogenetic location: 5p15.33.
Variant type: single nucleotide variant.
Coding change: c.783G>C on transcript NM_198253.3 (MANE Select); coding-DNA position 783, G replaced by C.
Protein change: p.Arg261Ser; replaces arginine 261 with serine.
Molecular consequence: missense variant. On other transcripts: non-coding transcript variant (2).
Genome position (GRCh38, 1-based): chr5:1,294,103, C>G on the plus strand (G>C on the coding strand, the complement: TERT is on the minus strand). VCF-style: chr5-1294103-C-G. GRCh37 (hg19) VCF-style: chr5-1294218-C-G.
Other names: c.783G>C, p.Arg261Ser (NM_001193376.3); short protein forms R261S.
Identifiers: ClinVar variation 956182 (VCV000956182.11), dbSNP rs1286573582, ClinGen allele CA359056824.

ClinVar aggregate classification (germline): Uncertain significance. Review status: criteria provided, multiple submitters, no conflicts (2 of 4 stars). 2 submissions from 2 submitters: Uncertain significance (2). Last evaluated 2025-02-27.

Conditions:
Dyskeratosis congenita, autosomal dominant 2. Identifiers: MedGen C3151443, MONDO:0013521, OMIM 613989.
Idiopathic Pulmonary Fibrosis. Also called: Idiopathic fibrosing alveolitis, chronic form; idiopathic fibrosing alveolitis. Identifiers: Orphanet 2032, MedGen C1800706, MeSH D054990, MONDO:0800504.
Dyskeratosis congenita. Identifiers: Orphanet 1775, MedGen C0265965, MONDO:0015780.

Allele frequency attached by ClinVar (database versions not stated): TOPMed 0.00001.

Submissions (2):

Ambry Genetics
Classification: Uncertain significance for Dyskeratosis congenita. Last evaluated: 2025-02-27. Review status: criteria provided, single submitter. Criteria: Ambry Variant Classification Scheme 2023. Collection method: clinical testing. Allele origin: germline.
Comment: The p.R261S variant (also known as c.783G>C), located in coding exon 2 of the TERT gene, results from a G to C substitution at nucleotide position 783. The arginine at codon 261 is replaced by serine, an amino acid with dissimilar properties. This amino acid position is conserved. In addition, this alteration is predicted to be tolerated by in silico analysis. Based on the available evidence, the clinical significance of this variant remains unclear.

Labcorp Genetics (formerly Invitae), Labcorp
Classification: Uncertain significance for Dyskeratosis congenita, autosomal dominant 2; Idiopathic Pulmonary Fibrosis. Last evaluated: 2022-02-27. Review status: criteria provided, single submitter. Criteria: Invitae Variant Classification Sherloc (09022015). Collection method: clinical testing. Allele origin: germline.
Comment: ClinVar contains an entry for this variant (Variation ID: 956182). In summary, the available evidence is currently insufficient to determine the role of this variant in disease. Therefore, it has been classified as a Variant of Uncertain Significance. Advanced modeling of protein sequence and biophysical properties (such as structural, functional, and spatial information, amino acid conservation, physicochemical variation, residue mobility, and thermodynamic stability) performed at Invitae indicates that this missense variant is not expected to disrupt TERT protein function. This variant has not been reported in the literature in individuals affected with TERT-related conditions. This variant is not present in population databases (gnomAD no frequency). This sequence change replaces arginine, which is basic and polar, with serine, which is neutral and polar, at codon 261 of the TERT protein (p.Arg261Ser).